The following is an entry in ClinVar:

ClinVar aggregate classification (germline): Likely benign. Review status: criteria provided, single submitter (1 of 4 stars). 2 submissions from 2 submitters: Likely benign (1). 1 of the submissions does not count toward it. Last evaluated 2025-11-16.

Conditions:
BARD1-related disorder. Also called: BARD1-related condition.
Familial cancer of breast. Also called: BREAST CANCER, FAMILIAL; hereditary breast carcinoma; Hereditary breast cancer. Identifiers: Orphanet 227535, MedGen C0346153, MONDO:0016419, OMIM 114480. Disease mechanism: loss of function.

Submissions (2):

Labcorp Genetics (formerly Invitae), Labcorp
Classification: Likely benign for Familial cancer of breast. Last evaluated: 2025-11-16. Review status: criteria provided, single submitter. Criteria: Invitae Variant Classification Sherloc (09022015). Collection method: clinical testing. Allele origin: germline.

PreventionGenetics, part of Exact Sciences
Classification: Likely benign for BARD1-related condition. Last evaluated: 2024-03-07. Review status: no assertion criteria provided. Collection method: clinical testing. Allele origin: germline. Not counted in ClinVar's aggregate classification.
Comment: This variant is classified as likely benign based on ACMG/AMP sequence variant interpretation guidelines (Richards et al. 2015 PMID: 25741868, with internal and published modifications).

NM_000465.4(BARD1):c.216-9A>C

Gene: BARD1 (BRCA1 associated RING domain 1; minus strand). Cytogenetic location: 2q35.
Variant type: single nucleotide variant.
Coding change: c.216-9A>C on transcript NM_000465.4 (MANE Select); 9 bases into the intron before coding-DNA position 216, A replaced by C.
Molecular consequence: intron variant.
Genome position (GRCh38, 1-based): chr2:214,792,454, T>G on the plus strand (A>C on the coding strand, the complement: BARD1 is on the minus strand). VCF-style: chr2-214792454-T-G. GRCh37 (hg19) VCF-style: chr2-215657178-T-G.
Other names: c.158+16958A>C (NM_001282548.2); c.159-9A>C (NM_001282543.2); c.215+4607A>C (NM_001282545.2); c.216-9A>C (NM_001282549.2).
Identifiers: ClinVar variation 3348857 (VCV003348857.2).
Genomic context (GRCh38, chr2:214,792,454, plus strand): 5'-CGGGGTGTAACACACTGGACATCCAGTTCCAATGCAGTCACTTACACAATTACTTTAAAA[T>G]AATTAAAAAAAAAAAAAAAAGCAACCCATTCAGCAGAATTTAATTCCAAAAACTAAACAG-3'